The following is an entry in ClinVar:

ClinVar aggregate classification (germline): Uncertain significance (1 of 4 stars; one submission).

Conditions:
X-linked Opitz G/BBB syndrome (GBBB). Also called: OPITZ BBBG SYNDROME, TYPE I; OPITZ SYNDROME, X-LINKED; OPITZ-G SYNDROME, TYPE I; Opitz-Frias syndrome; MID1-Related Opitz G/BBB Syndrome. Identifiers: Orphanet 2745, MedGen C2936904, MONDO:0010222, OMIM 300000.

Submission:

Laboratorio de Genetica e Diagnostico Molecular, Hospital Israelita Albert Einstein
Classification: Uncertain significance for X-linked Opitz G/BBB syndrome. Last evaluated: 2022-10-31. Review status: criteria provided, single submitter. Criteria: ACMG Guidelines, 2015. Collection method: clinical testing. Allele origin: germline. Affected: yes.
Comment: ACMG classification criteria: PM2 moderated, BP4 supporting

NM_000381.4(MID1):c.849G>C (p.Lys283Asn)

Gene: MID1 (midline 1; minus strand). Cytogenetic location: Xp22.2.
Variant type: single nucleotide variant.
Coding change: c.849G>C on transcript NM_000381.4 (MANE Select); coding-DNA position 849, G replaced by C.
Protein change: p.Lys283Asn; replaces lysine 283 with asparagine.
Molecular consequence: missense variant.
Genome position (GRCh38, 1-based): chrX:10,495,599, C>G on the plus strand (G>C on the coding strand, the complement: MID1 is on the minus strand). VCF-style: chrX-10495599-C-G. GRCh37 (hg19) VCF-style: chrX-10463639-C-G.
Other names: c.849G>C, p.Lys283Asn (NM_001098624.2, NM_001193277.1, NM_001193279.1 and 2 more transcripts); c.1002G>C, p.Lys334Asn (NM_001193278.1); c.735G>C, p.Lys245Asn (NM_001193280.1, NM_033289.2); short protein forms K245N, K283N, K334N.
Identifiers: ClinVar variation 2431543 (VCV002431543.2), dbSNP rs2519039483, ClinGen allele CA412047610.